The following is an entry in ClinVar:

ClinVar aggregate classification (germline): Pathogenic (1 of 4 stars; one submission).

Submission:

Labcorp Genetics (formerly Invitae), Labcorp
Classification: Pathogenic. Last evaluated: 2024-02-23. Review status: criteria provided, single submitter. Criteria: Invitae Variant Classification Sherloc (09022015). Collection method: clinical testing. Allele origin: germline.
Comment: This sequence change creates a premature translational stop signal (p.Tyr1569*) in the KAT6A gene. While this is not anticipated to result in nonsense mediated decay, it is expected to disrupt the last 436 amino acid(s) of the KAT6A protein. This variant is not present in population databases (gnomAD no frequency). This premature translational stop signal has been observed in individual(s) with KAT6A-related conditions (Invitae). In at least one individual the variant was observed to be de novo. For these reasons, this variant has been classified as Pathogenic.

NM_006766.5(KAT6A):c.4707C>G (p.Tyr1569Ter)

Gene: KAT6A (lysine acetyltransferase 6A; minus strand). Cytogenetic location: 8p11.21.
Variant type: single nucleotide variant.
Coding change: c.4707C>G on transcript NM_006766.5 (MANE Select); coding-DNA position 4707, C replaced by G.
Protein change: p.Tyr1569Ter; replaces tyrosine 1569 with a stop codon.
Molecular consequence: nonsense.
Genome position (GRCh38, 1-based): chr8:41,933,513, G>C on the plus strand (C>G on the coding strand, the complement: KAT6A is on the minus strand). VCF-style: chr8-41933513-G-C. GRCh37 (hg19) VCF-style: chr8-41791031-G-C.
Other names: short protein forms Y1569*.
Identifiers: ClinVar variation 3668666 (VCV003668666.2).